The following is an entry in ClinVar:

ClinVar aggregate classification (germline): Uncertain significance (1 of 4 stars; one submission).

Submission:

Labcorp Genetics (formerly Invitae), Labcorp
Classification: Uncertain significance. Last evaluated: 2023-11-27. Review status: criteria provided, single submitter. Criteria: Invitae Variant Classification Sherloc (09022015). Collection method: clinical testing. Allele origin: germline.
Comment: This sequence change replaces threonine, which is neutral and polar, with serine, which is neutral and polar, at codon 627 of the LOXL3 protein (p.Thr627Ser). This variant is not present in population databases (gnomAD no frequency). This variant has not been reported in the literature in individuals affected with LOXL3-related conditions. ClinVar contains an entry for this variant (Variation ID: 2128118). An algorithm developed to predict the effect of missense changes on protein structure and function (PolyPhen-2) suggests that this variant is likely to be tolerated. In summary, the available evidence is currently insufficient to determine the role of this variant in disease. Therefore, it has been classified as a Variant of Uncertain Significance.

NM_032603.5(LOXL3):c.1880C>G (p.Thr627Ser)

Gene: LOXL3 (lysyl oxidase like 3; minus strand). Cytogenetic location: 2p13.1.
Variant type: single nucleotide variant.
Coding change: c.1880C>G on transcript NM_032603.5 (MANE Select); coding-DNA position 1880, C replaced by G.
Protein change: p.Thr627Ser; replaces threonine 627 with serine.
Molecular consequence: missense variant.
Genome position (GRCh38, 1-based): chr2:74,534,375, G>C on the plus strand (C>G on the coding strand, the complement: LOXL3 is on the minus strand). VCF-style: chr2-74534375-G-C. GRCh37 (hg19) VCF-style: chr2-74761502-G-C.
Other names: c.1445C>G, p.Thr482Ser (NM_001289164.3); c.797C>G, p.Thr266Ser (NM_001289165.2); short protein forms T482S, T627S, T266S.
Identifiers: ClinVar variation 2128118 (VCV002128118.4), dbSNP rs2529925990, ClinGen allele CA347385105.